The following is an entry in ClinVar:

ClinVar aggregate classification (germline): Conflicting classifications of pathogenicity. Review status: criteria provided, conflicting classifications (1 of 4 stars). 3 submissions from 3 submitters: Uncertain significance (2); Likely benign (1). Last evaluated 2026-02-19.

Conditions:
Inborn genetic diseases. Identifiers: MedGen C0950123, MeSH D030342.
Polycystic kidney disease, adult type (PKD1). Also called: Polycystic Kidney Disease 1, Autosomal Dominant; Polycystic kidney disease 1; Polycystic kidney disease 1, severe; POLYCYSTIC KIDNEY DISEASE 1 WITH OR WITHOUT POLYCYSTIC LIVER DISEASE; POLYCYSTIC KIDNEY DISEASE, ADULT, TYPE I; Polycystic Kidney, Autosomal Dominant. Identifiers: MedGen C3149841, MONDO:0008263, OMIM 173900.

gnomAD v4.1: 24 of 1,610,888 alleles (0.0015%); highest among the groups gnomAD compares: Middle Eastern, 0.019%; no homozygotes.

Submissions (3):

Centre for Medical Genetics,  Mumbai
Classification: Likely benign for Polycystic kidney disease, adult type. Last evaluated: 2026-02-19. Review status: criteria provided, single submitter. Criteria: ACMG Guidelines, 2015. Collection method: provider interpretation. Allele origin: germline. Inheritance: Autosomal dominant inheritance. Affected: no. Observed: 1 heterozygote.
Comment: The variant satisfies PM2 criteria; Extremely low frequency in gnomAD population databases. The variant satisfies BP4 criteria; For a missense or a splice region variant, computational prediction tools unanimously support a benign effect on the gene. However, the variant satisfies BS2 criteria.

Ambry Genetics
Classification: Uncertain significance for Inborn genetic diseases. Last evaluated: 2025-07-15. Review status: criteria provided, single submitter. Criteria: Ambry Variant Classification Scheme 2023. Collection method: clinical testing. Allele origin: germline.

Fulgent Genetics
Classification: Uncertain significance for Polycystic kidney disease, adult type. Last evaluated: 2024-01-01. Review status: criteria provided, single submitter. Criteria: ACMG Guidelines, 2015. Collection method: clinical testing. Allele origin: germline.

Literature cited by the submitters: PubMed 8004675 (cited by Centre for Medical Genetics,  Mumbai).

NM_001009944.3(PKD1):c.3941C>T (p.Thr1314Met)

Gene: PKD1 (polycystin 1, transient receptor potential channel interacting; minus strand). Cytogenetic location: 16p13.3.
Variant type: single nucleotide variant.
Coding change: c.3941C>T on transcript NM_001009944.3 (MANE Select); coding-DNA position 3941, C replaced by T.
Protein change: p.Thr1314Met; replaces threonine 1314 with methionine.
Molecular consequence: missense variant.
Genome position (GRCh38, 1-based): chr16:2,111,226, G>A on the plus strand (C>T on the coding strand, the complement: PKD1 is on the minus strand). VCF-style: chr16-2111226-G-A. GRCh37 (hg19) VCF-style: chr16-2161227-G-A.
Other names: c.3941C>T (NM_000296.3); c.3941C>T, p.Thr1314Met (NM_000296.4); short protein forms T1314M.
Identifiers: ClinVar variation 3579563 (VCV003579563.3).